The following is an entry in ClinVar:

ClinVar aggregate classification (germline): Uncertain significance (1 of 4 stars; one submission).

Conditions:
Early onset severe obesity. Identifiers: MedGen C4013980.

gnomAD v4.1: 3 of 1,611,976 alleles (0.00019%); highest among the groups gnomAD compares: Non-Finnish European, 0.00025%; no homozygotes.

Submission:

Cambridge Genomics Laboratory, East Genomic Laboratory Hub, NHS Genomic Medicine Service
Classification: Uncertain significance for Severe early-onset obesity. Last evaluated: 2023-11-21. Review status: criteria provided, single submitter. Criteria: ACGS Best Practice Guidelines for Variant Classification in Rare Disease 2020. Collection method: clinical testing. Allele origin: germline. Affected: yes.
Comment: The p.Tyr188His variant is novel (not in any individuals) in gnomAD All. The p.Tyr188His variant is novel (not in any individuals) in 1kG All. The p.Tyr188His variant is novel (not in any individuals) in gnomAD Genomes v3 All. (PM2 - Moderate) | (PP2 - Supporting) | The nucleotide c.562 in SIM1 is predicted conserved by GERP++ and PhyloP across 100 vertebrates. (PP3 - Supporting)

NM_005068.3(SIM1):c.562T>C (p.Tyr188His)

Gene: SIM1 (SIM bHLH transcription factor 1; minus strand). Cytogenetic location: 6q16.3.
Variant type: single nucleotide variant.
Coding change: c.562T>C on transcript NM_005068.3 (MANE Select); coding-DNA position 562, T replaced by C.
Protein change: p.Tyr188His; replaces tyrosine 188 with histidine.
Molecular consequence: missense variant.
Genome position (GRCh38, 1-based): chr6:100,448,660, A>G on the plus strand (T>C on the coding strand, the complement: SIM1 is on the minus strand). VCF-style: chr6-100448660-A-G. GRCh37 (hg19) VCF-style: chr6-100896536-A-G.
Other names: c.562T>C, p.Tyr188His (NM_001374769.1); short protein forms Y188H.
Identifiers: ClinVar variation 4812850 (VCV004812850.1).